The following is an entry in ClinVar:

NM_199420.4(POLQ):c.6064G>C (p.Gly2022Arg)

Gene: POLQ (DNA polymerase theta; minus strand). Cytogenetic location: 3q13.33.
Variant type: single nucleotide variant.
Coding change: c.6064G>C on transcript NM_199420.4 (MANE Select); coding-DNA position 6064, G replaced by C.
Protein change: p.Gly2022Arg; replaces glycine 2022 with arginine.
Molecular consequence: missense variant.
Genome position (GRCh38, 1-based): chr3:121,481,719, C>G on the plus strand (G>C on the coding strand, the complement: POLQ is on the minus strand). VCF-style: chr3-121481719-C-G. GRCh37 (hg19) VCF-style: chr3-121200566-C-G.
Other names: short protein forms G2022R.
Identifiers: ClinVar variation 1751345 (VCV001751345.2), dbSNP rs2546780433, ClinGen allele CA354087993.

ClinVar aggregate classification (germline): Uncertain significance (1 of 4 stars; one submission).

Submission:

Ambry Genetics
Classification: Uncertain significance. Last evaluated: 2022-02-06. Review status: criteria provided, single submitter. Criteria: Ambry Variant Classification Scheme 2023. Collection method: clinical testing. Allele origin: germline.
Comment: The p.G2022R variant (also known as c.6064G>C), located in coding exon 19 of the POLQ gene, results from a G to C substitution at nucleotide position 6064. The glycine at codon 2022 is replaced by arginine, an amino acid with dissimilar properties. This amino acid position is conserved. In addition, this alteration is predicted to be tolerated by in silico analysis. Since supporting evidence is limited at this time, the clinical significance of this alteration remains unclear.